The following is an entry in ClinVar:

ClinVar aggregate classification (germline): Benign/Likely benign. Review status: criteria provided, multiple submitters, no conflicts (2 of 4 stars). 3 submissions from 3 submitters: Benign (1); Likely benign (2). Last evaluated 2025-09-29.

Conditions:
Hereditary cancer-predisposing syndrome. Also called: Neoplastic Syndromes, Hereditary; Tumor predisposition; Hereditary Cancer Syndrome; Hereditary neoplastic syndrome. Identifiers: Orphanet 140162, MedGen C0027672, MeSH D009386, MONDO:0015356.
Familial melanoma. Also called: Hereditary melanoma; Hereditary cutaneous melanoma. Identifiers: Orphanet 618, MedGen C1512419, MONDO:0018961.
Melanoma, cutaneous malignant, susceptibility to, 3. Also called: Cutaneous malignant melanoma 3. Identifiers: Orphanet 618, MedGen C1836892, MONDO:0012183, OMIM 609048.

Submissions (3):

Ambry Genetics
Classification: Likely benign for Hereditary cancer-predisposing syndrome. Last evaluated: 2025-09-29. Review status: criteria provided, single submitter. Criteria: Ambry Variant Classification Scheme 2023. Collection method: clinical testing. Allele origin: germline.

Labcorp Genetics (formerly Invitae), Labcorp
Classification: Likely benign for Familial melanoma. Last evaluated: 2024-10-06. Review status: criteria provided, single submitter. Criteria: Invitae Variant Classification Sherloc (09022015). Collection method: clinical testing. Allele origin: germline.

Myriad Genetics, Inc.
Classification: Benign for Melanoma, cutaneous malignant, susceptibility to, 3. Last evaluated: 2024-09-24. Review status: criteria provided, single submitter. Criteria: Myriad Autosomal Dominant, Autosomal Recessive and X-Linked Classification Criteria (2023). Collection method: clinical testing. Allele origin: unknown.
Comment: This variant is considered benign. This variant is a silent/synonymous amino acid change and it is not expected to impact splicing.

NM_000075.4(CDK4):c.135T>C (p.Gly45=)

Genes: CDK4 (cyclin dependent kinase 4; minus strand), LOC130008148 (ATAC-STARR-seq lymphoblastoid silent region 4588; plus strand). Cytogenetic location: 12q14.1.
Variant type: single nucleotide variant.
Coding change: c.135T>C on transcript NM_000075.4 (MANE Select); coding-DNA position 135, T replaced by C.
Protein change: p.Gly45=; no amino-acid change (glycine 45 retained).
Molecular consequence: synonymous variant.
Genome position (GRCh38, 1-based): chr12:57,751,583, A>G on the plus strand (T>C on the coding strand, the complement: CDK4 is on the minus strand). VCF-style: chr12-57751583-A-G. GRCh37 (hg19) VCF-style: chr12-58145366-A-G.
Other names: c.135T>C (NM_000075.3).
Identifiers: ClinVar variation 3378433 (VCV003378433.4).